The following is an entry in ClinVar:

NM_001130823.3(DNMT1):c.3806G>A (p.Ser1269Asn)

Gene: DNMT1 (DNA methyltransferase 1; minus strand). Cytogenetic location: 19p13.2.
Variant type: single nucleotide variant.
Coding change: c.3806G>A on transcript NM_001130823.3 (MANE Select); coding-DNA position 3806, G replaced by A.
Protein change: p.Ser1269Asn; replaces serine 1269 with asparagine.
Molecular consequence: missense variant.
Genome position (GRCh38, 1-based): chr19:10,140,046, C>T on the plus strand (G>A on the coding strand, the complement: DNMT1 is on the minus strand). VCF-style: chr19-10140046-C-T. GRCh37 (hg19) VCF-style: chr19-10250722-C-T.
Other names: c.3758G>A, p.Ser1253Asn (NM_001318730.2, NM_001379.4); c.3443G>A, p.Ser1148Asn (NM_001318731.2); short protein forms S1148N, S1253N, S1269N.
Identifiers: ClinVar variation 1474264 (VCV001474264.8), dbSNP rs2145265116, ClinGen allele CA403972672.
Genomic context (GRCh38, chr19:10,140,046, plus strand): 5'-GCTGACATGCGGCACAGCCCCGGGCCGTCTGGCAACACTGGGGGGCTTCTACCCGTTTAC[C>T]TGAGGAAGGAAACCACCAGAGAGTTTTTGAACTTGGAGTAGGTGCGCGAATTGAAGCGGT-3'
Protein context (NP_001124295.1, residues 1259-1279): FKNSLVVSFL[Ser1269Asn]YCDYYRPRFF

ClinVar aggregate classification (germline): Uncertain significance (1 of 4 stars; one submission).

Conditions:
Hereditary sensory neuropathy-deafness-dementia syndrome. Also called: Hereditary sensory neuropathy type IE; NEUROPATHY, HEREDITARY SENSORY, WITH HEARING LOSS AND DEMENTIA; HSN IE; Hereditary Sensory and Autonomic Neuropathy Type 1E (HSAN1E). Identifiers: Orphanet 456318, MedGen C3279885, MONDO:0013584, OMIM 614116.

Submission:

Labcorp Genetics (formerly Invitae), Labcorp
Classification: Uncertain significance for Hereditary sensory neuropathy-deafness-dementia syndrome. Last evaluated: 2021-04-21. Review status: criteria provided, single submitter. Criteria: Invitae Variant Classification Sherloc (09022015). Collection method: clinical testing. Allele origin: germline.
Comment: Algorithms developed to predict the effect of sequence changes on RNA splicing suggest that this variant may disrupt the consensus splice site, but this prediction has not been confirmed by published transcriptional studies. Algorithms developed to predict the effect of missense changes on protein structure and function are either unavailable or do not agree on the potential impact of this missense change (SIFT: "Deleterious"; PolyPhen-2: "Probably Damaging"; Align-GVGD: "Class C0"). This variant has not been reported in the literature in individuals with DNMT1-related conditions. This variant is not present in population databases (ExAC no frequency). This sequence change replaces serine with asparagine at codon 1269 of the DNMT1 protein (p.Ser1269Asn). The serine residue is highly conserved and there is a small physicochemical difference between serine and asparagine. In summary, the available evidence is currently insufficient to determine the role of this variant in disease. Therefore, it has been classified as a Variant of Uncertain Significance.